The following is an entry in ClinVar:

ClinVar aggregate classification (germline): Pathogenic. Review status: criteria provided, single submitter (1 of 4 stars). 3 submissions from 3 submitters: Pathogenic (1). 2 of the submissions do not count toward it. Last evaluated 2020-03-20.

Conditions:
Fanconi anemia complementation group T. Identifiers: Orphanet 84, MedGen C4084840, MONDO:0014638, OMIM 616435.

Allele frequency attached by ClinVar (database versions not stated): gnomAD exomes below 0.00001 and 0.00001; TOPMed below 0.00001; ExAC 0.00001.
gnomAD v4.1: 4 of 1,613,804 alleles (0.00025%); highest among the groups gnomAD compares: East Asian, 0.0089%; no homozygotes.

Submissions (3):

Revvity Omics, Revvity
Classification: Pathogenic for Fanconi anemia complementation group T. Last evaluated: 2020-03-20. Review status: criteria provided, single submitter. Criteria: ACMG Guidelines, 2015. Collection method: clinical testing. Allele origin: germline.

Leiden Open Variation Database
Classification: Pathogenic for Fanconi anemia complementation group T. Last evaluated: 2015-07-19. Review status: no assertion criteria provided. Collection method: curation. Allele origin: germline. Affected: yes. Not counted in ClinVar's aggregate classification.
Comment: Curator: Arleen D. Auerbach. Submitter to LOVD: Johan den Dunnen.

OMIM
Classification: Pathogenic for FANCONI ANEMIA, COMPLEMENTATION GROUP T. Last evaluated: 2015-06-04. Review status: no assertion criteria provided. Collection method: literature only. Allele origin: germline. Not counted in ClinVar's aggregate classification.

Literature cited by the submitters: PubMed 26046368 (cited by Leiden Open Variation Database and OMIM).

NM_014176.4(UBE2T):c.4C>G (p.Gln2Glu)

Gene: UBE2T (ubiquitin conjugating enzyme E2 T; minus strand). Cytogenetic location: 1q32.1.
Variant type: single nucleotide variant.
Coding change: c.4C>G on transcript NM_014176.4 (MANE Select); coding-DNA position 4, C replaced by G.
Protein change: p.Gln2Glu; replaces glutamine 2 with glutamic acid.
Molecular consequence: missense variant. On other transcripts: 5 prime UTR variant (1).
Genome position (GRCh38, 1-based): chr1:202,335,751, G>C on the plus strand (C>G on the coding strand, the complement: UBE2T is on the minus strand). VCF-style: chr1-202335751-G-C. GRCh37 (hg19) VCF-style: chr1-202304879-G-C.
Other names: c.-91C>G (NM_001310326.2); short protein forms Q2E.
Identifiers: ClinVar variation 199436 (VCV000199436.8), dbSNP rs774357609, ClinGen allele CA214607.